The following is an entry in ClinVar:

ClinVar aggregate classification (germline): Likely benign (1 of 4 stars; one submission).

Allele frequency attached by ClinVar (database versions not stated): 1000 Genomes Project 0.00160; 1000 Genomes Project 30x 0.00172; TOPMed 0.00007; ESP Exome Variant Server 0.00008; gnomAD 0.00029; ExAC 0.00114.
gnomAD v4.1: 761 of 1,614,142 alleles (0.047%); highest among the groups gnomAD compares: South Asian, 0.76%; 9 homozygotes.

Submission:

CeGaT Center for Human Genetics Tuebingen
Classification: Likely benign. Last evaluated: 2022-09-01. Review status: criteria provided, single submitter. Criteria: CeGaT Center For Human Genetics Tuebingen Variant Classification Criteria Version 2. Collection method: clinical testing. Allele origin: germline. Affected: yes. Observed: 1 variant allele.
Comment: ABCC4: BP4, BP7

NM_005845.5(ABCC4):c.1986A>G (p.Gln662=)

Gene: ABCC4 (ATP binding cassette subfamily C member 4 (PEL blood group); minus strand). Cytogenetic location: 13q32.1.
Variant type: single nucleotide variant.
Coding change: c.1986A>G on transcript NM_005845.5 (MANE Select); coding-DNA position 1986, A replaced by G.
Protein change: p.Gln662=; no amino-acid change (glutamine 662 retained).
Molecular consequence: synonymous variant.
Genome position (GRCh38, 1-based): chr13:95,166,206, T>C on the plus strand (A>G on the coding strand, the complement: ABCC4 is on the minus strand). VCF-style: chr13-95166206-T-C. GRCh37 (hg19) VCF-style: chr13-95818460-T-C.
Other names: c.1986A>G, p.Gln662= (NM_001105515.3, NM_001301829.2); c.1761A>G, p.Gln587= (NM_001301830.2).
Identifiers: ClinVar variation 2643875 (VCV002643875.24), dbSNP rs143045806, ClinGen allele CA7019349.